The following is an entry in ClinVar:

ClinVar aggregate classification (germline): Likely benign (1 of 4 stars; one submission).

gnomAD v4.1: 34 of 1,613,978 alleles (0.0021%); highest among the groups gnomAD compares: East Asian, 0.0022%; no homozygotes.

Submission:

CeGaT Center for Human Genetics Tuebingen
Classification: Likely benign. Last evaluated: 2025-09-01. Review status: criteria provided, single submitter. Criteria: CeGaT Center For Human Genetics Tuebingen Variant Classification Criteria Version 2. Collection method: clinical testing. Allele origin: germline. Affected: yes. Observed: 1 variant allele.
Comment: ARID2: BP4, BP7

NM_152641.4(ARID2):c.3318C>T (p.Ala1106=)

Gene: ARID2 (AT-rich interaction domain 2; plus strand). Cytogenetic location: 12q12.
Variant type: single nucleotide variant.
Coding change: c.3318C>T on transcript NM_152641.4 (MANE Select); coding-DNA position 3318, C replaced by T.
Protein change: p.Ala1106=; no amino-acid change (alanine 1106 retained).
Molecular consequence: synonymous variant.
Genome position (GRCh38, 1-based): chr12:45,851,441, C>T. VCF-style: chr12-45851441-C-T. GRCh37 (hg19) VCF-style: chr12-46245224-C-T.
Other names: c.3318C>T, p.Ala1106= (NM_001347839.2).
Identifiers: ClinVar variation 4280951 (VCV004280951.7).
Genomic context (GRCh38, chr12:45,851,441, plus strand): 5'-CCCTAATAATGCAAGAGCTCCTAGCCCTCAGGTGGTCTATCAGGTGGCCAGTAACCAAGC[C>T]GCAGGTTTTGGAGTGCAGGGGCAAACTCCAGCTCAGCAGCTATTGGTTGGGCAGCAAAAT-3'
Protein context (NP_689854.2, residues 1096-1116): QVVYQVASNQ[Ala1106=]AGFGVQGQTP